The following is an entry in ClinVar:

ClinVar aggregate classification (germline): Uncertain significance (1 of 4 stars; one submission).

Conditions:
Familial adenomatous polyposis 1 (FAP1). Also called: FAMILIAL ADENOMATOUS POLYPOSIS 1, ATTENUATED; POLYPOSIS, ADENOMATOUS INTESTINAL. Identifiers: MedGen C2713442, MONDO:0021056, OMIM 175100. Disease mechanism: loss of function.

Submission:

Labcorp Genetics (formerly Invitae), Labcorp
Classification: Uncertain significance for Familial adenomatous polyposis 1. Last evaluated: 2023-09-04. Review status: criteria provided, single submitter. Criteria: Invitae Variant Classification Sherloc (09022015). Collection method: clinical testing. Allele origin: germline.
Comment: In summary, the available evidence is currently insufficient to determine the role of this variant in disease. Therefore, it has been classified as a Variant of Uncertain Significance. Advanced modeling of protein sequence and biophysical properties (such as structural, functional, and spatial information, amino acid conservation, physicochemical variation, residue mobility, and thermodynamic stability) performed at Invitae indicates that this missense variant is not expected to disrupt APC protein function. This variant has not been reported in the literature in individuals affected with APC-related conditions. This variant is not present in population databases (gnomAD no frequency). This sequence change replaces alanine, which is neutral and non-polar, with aspartic acid, which is acidic and polar, at codon 2128 of the APC protein (p.Ala2128Asp).

NM_000038.6(APC):c.6383C>A (p.Ala2128Asp)

Gene: APC (APC regulator of Wnt signaling pathway; plus strand). Cytogenetic location: 5q22.2.
Variant type: single nucleotide variant.
Coding change: c.6383C>A on transcript NM_000038.6 (MANE Select); coding-DNA position 6383, C replaced by A.
Protein change: p.Ala2128Asp; replaces alanine 2128 with aspartic acid.
Molecular consequence: missense variant. On other transcripts: non-coding transcript variant (2).
Genome position (GRCh38, 1-based): chr5:112,841,977, C>A. VCF-style: chr5-112841977-C-A. GRCh37 (hg19) VCF-style: chr5-112177674-C-A.
Other names: c.6383C>A, p.Ala2128Asp (NM_001127510.3, NM_001354895.2, NM_001407450.1); c.6329C>A, p.Ala2110Asp (NM_001127511.3); c.6437C>A, p.Ala2146Asp (NM_001354896.2, NM_001407447.1, NM_001407448.1 and 1 more transcripts); c.6413C>A, p.Ala2138Asp (NM_001354897.2); c.6308C>A, p.Ala2103Asp (NM_001354898.2); c.6299C>A, p.Ala2100Asp (NM_001354899.2); c.6260C>A, p.Ala2087Asp (NM_001354900.2); c.6206C>A, p.Ala2069Asp (NM_001354901.2, NM_001407453.1); and 11 more; short protein forms A1999D, A2002D, A2087D, A2100D, A1845D, A2027D, A2037D, A2045D.
Identifiers: ClinVar variation 2902278 (VCV002902278.3), dbSNP rs753228011, ClinGen allele CA16035309.